The following is an entry in ClinVar:

ClinVar aggregate classification (germline): Likely pathogenic (1 of 4 stars; one submission).

Submission:

GeneDx
Classification: Likely pathogenic. Last evaluated: 2023-04-03. Review status: criteria provided, single submitter. Criteria: GeneDx Variant Classification Process June 2021. Collection method: clinical testing. Allele origin: germline. Affected: yes.
Comment: De novo variant with confirmed parentage in a patient with EIF5A-related neurodevelopmental disorder (Faundes et al., 2021); Not observed at significant frequency in large population cohorts (gnomAD); In silico analysis, which includes protein predictors and evolutionary conservation, supports a deleterious effect; This variant is associated with the following publications: (PMID: 33547280)

NM_001970.5(EIF5A):c.343C>T (p.Pro115Ser)

Gene: EIF5A (eukaryotic translation initiation factor 5A; plus strand). Cytogenetic location: 17p13.1.
Variant type: single nucleotide variant.
Coding change: c.343C>T on transcript NM_001970.5 (MANE Select); coding-DNA position 343, C replaced by T.
Protein change: p.Pro115Ser; replaces proline 115 with serine.
Molecular consequence: missense variant.
Genome position (GRCh38, 1-based): chr17:7,311,422, C>T. VCF-style: chr17-7311422-C-T. GRCh37 (hg19) VCF-style: chr17-7214741-C-T.
Other names: c.433C>T, p.Pro145Ser (NM_001143760.1); c.343C>T, p.Pro115Ser (NM_001143761.1, NM_001143762.2, NM_001370420.1 and 1 more transcripts); short protein forms P115S, P145S.
Identifiers: ClinVar variation 1327680 (VCV001327680.3), dbSNP rs2143009616, ClinGen allele CA397776702.